The following is an entry in ClinVar:

NC_000017.10:g.(?_61994669)_(61995030_?)del

Gene: GH1 (growth hormone 1; minus strand). Cytogenetic location: 17q23.3.
Variant type: Deletion.
Identifiers: ClinVar variation 2423182 (VCV002423182.4).

ClinVar aggregate classification (germline): Uncertain significance (1 of 4 stars; one submission).

Submission:

Labcorp Genetics (formerly Invitae), Labcorp
Classification: Uncertain significance. Last evaluated: 2022-09-13. Review status: criteria provided, single submitter. Criteria: Invitae Variant Classification Sherloc (09022015). Collection method: clinical testing. Allele origin: germline.
Comment: This variant disrupts the C-terminus of the GH1 protein. Other variant(s) that disrupt this region (p.Cys208*) have been observed in individuals with GH1-related conditions (PMID: 19567534). This suggests that this may be a clinically significant region of the protein. In summary, the available evidence is currently insufficient to determine the role of this variant in disease. Therefore, it has been classified as a Variant of Uncertain Significance. Experimental studies and prediction algorithms are not available or were not evaluated, and the functional significance of this variant is currently unknown. This variant has not been reported in the literature in individuals affected with GH1-related conditions. This variant is a gross deletion of the genomic region encompassing exon(s) 5 of the GH1 gene, which includes the termination codon. This deletion extends beyond the assayed region for this gene and therefore may encompass additional genes. While this deletion is not anticipated to lead to nonsense mediated decay, it is expected to alter mRNA translation or result in a truncated protein product.

Literature cited by the submitters: PubMed 19567534.